The following is an entry in ClinVar:

ClinVar aggregate classification (germline): Uncertain significance (1 of 4 stars; one submission).

Conditions:
Hereditary cancer-predisposing syndrome. Also called: Neoplastic Syndromes, Hereditary; Tumor predisposition; Hereditary Cancer Syndrome; Hereditary neoplastic syndrome. Identifiers: Orphanet 140162, MedGen C0027672, MeSH D009386, MONDO:0015356.

Submission:

Ambry Genetics
Classification: Uncertain significance for Hereditary cancer-predisposing syndrome. Last evaluated: 2020-12-11. Review status: criteria provided, single submitter. Criteria: Ambry Variant Classification Scheme 2023. Collection method: clinical testing. Allele origin: germline.
Comment: The p.L113S variant (also known as c.338T>C), located in coding exon 4 of the NBN gene, results from a T to C substitution at nucleotide position 338. The leucine at codon 113 is replaced by serine, an amino acid with dissimilar properties. This amino acid position is highly conserved in available vertebrate species. In addition, this alteration is predicted to be deleterious by in silico analysis. Since supporting evidence is limited at this time, the clinical significance of this alteration remains unclear.

NM_002485.5(NBN):c.338T>C (p.Leu113Ser)

Gene: NBN (nibrin; minus strand). Cytogenetic location: 8q21.3.
Variant type: single nucleotide variant.
Coding change: c.338T>C on transcript NM_002485.5 (MANE Select); coding-DNA position 338, T replaced by C.
Protein change: p.Leu113Ser; replaces leucine 113 with serine.
Molecular consequence: missense variant.
Genome position (GRCh38, 1-based): chr8:89,980,876, A>G on the plus strand (T>C on the coding strand, the complement: NBN is on the minus strand). VCF-style: chr8-89980876-A-G. GRCh37 (hg19) VCF-style: chr8-90993104-A-G.
Other names: c.92T>C, p.Leu31Ser (NM_001024688.3); short protein forms L31S, L113S.
Identifiers: ClinVar variation 1730898 (VCV001730898.2), dbSNP rs2488357166, ClinGen allele CA371662131.
Genomic context (GRCh38, chr8:89,980,876, plus strand): 5'-AATATAGCTTGATTTAAAGCAGTTTTCCCAGAGACATCTAAACAAGAAGAGCATGCAACC[A>G]AAGGCTCATACTCTATTCTGTAAATGAGAATAAGTTAAATAAAGTCATAGTATCAGAGTT-3'
Protein context (NP_002476.2, residues 103-123): GSKFRIEYEP[Leu113Ser]VACSSCLDVS